The following is an entry in ClinVar:

ClinVar aggregate classification (germline): Conflicting classifications of pathogenicity. Review status: criteria provided, conflicting classifications (1 of 4 stars). 2 submissions from 2 submitters: Uncertain significance (1); Likely benign (1). Last evaluated 2023-03-23.

Conditions:
Hereditary cancer-predisposing syndrome. Also called: Tumor predisposition; Hereditary Cancer Syndrome; Hereditary neoplastic syndrome; Neoplastic Syndromes, Hereditary. Identifiers: Orphanet 140162, MedGen C0027672, MeSH D009386, MONDO:0015356.
Hereditary breast ovarian cancer syndrome. Also called: Hereditary breast and ovarian cancer syndrome; Breast and ovarian cancer; BRCA1- and BRCA2-Associated Hereditary Breast and Ovarian Cancer; Hereditary breast and ovarian cancer syndrome (HBOC); Hereditary breast and ovarian cancer; Hereditary breast and/or ovarian cancer syndrome. Identifiers: Orphanet 145, MedGen C0677776, MeSH D061325, MONDO:0003582. Disease mechanism: loss of function.

Submissions (2):

University of Washington Department of Laboratory Medicine, University of Washington
Classification: Likely benign for Hereditary cancer-predisposing syndrome. Last evaluated: 2023-03-23. Review status: criteria provided, single submitter. Criteria: Dines et al. (Genet Med. 2020). Collection method: curation. Allele origin: germline.
Comment: Missense variant in a coldspot region where missense variants are very unlikely to be pathogenic (PMID:31911673).

BRCA2 exon 10 coldspot. Reclassification based on statistical prior probability.

Labcorp Genetics (formerly Invitae), Labcorp
Classification: Uncertain significance for Hereditary breast ovarian cancer syndrome. Last evaluated: 2022-01-18. Review status: criteria provided, single submitter. Criteria: Invitae Variant Classification Sherloc (09022015). Collection method: clinical testing. Allele origin: germline.
Comment: In summary, the available evidence is currently insufficient to determine the role of this variant in disease. Therefore, it has been classified as a Variant of Uncertain Significance. Advanced modeling of protein sequence and biophysical properties (such as structural, functional, and spatial information, amino acid conservation, physicochemical variation, residue mobility, and thermodynamic stability) performed at Invitae indicates that this missense variant is not expected to disrupt BRCA2 protein function. This variant has not been reported in the literature in individuals affected with BRCA2-related conditions. This variant is not present in population databases (gnomAD no frequency). This sequence change replaces proline, which is neutral and non-polar, with leucine, which is neutral and non-polar, at codon 453 of the BRCA2 protein (p.Pro453Leu).

NM_000059.4(BRCA2):c.1358C>T (p.Pro453Leu)

Gene: BRCA2 (BRCA2 DNA repair associated; plus strand). Cytogenetic location: 13q13.1.
Variant type: single nucleotide variant.
Coding change: c.1358C>T on transcript NM_000059.4 (MANE Select); coding-DNA position 1358, C replaced by T.
Protein change: p.Pro453Leu; replaces proline 453 with leucine.
Molecular consequence: missense variant.
Genome position (GRCh38, 1-based): chr13:32,332,836, C>T. VCF-style: chr13-32332836-C-T. GRCh37 (hg19) VCF-style: chr13-32906973-C-T.
Other names: c.1358C>T, p.Pro453Leu (NM_001406719.1, NM_001406720.1, NM_001406721.1); short protein forms P453L.
Identifiers: ClinVar variation 2087490 (VCV002087490.6), dbSNP rs754587041, ClinGen allele CA387762822.